The following is an entry in ClinVar:

ClinVar aggregate classification (germline): Uncertain significance (1 of 4 stars; one submission).

Submission:

Labcorp Genetics (formerly Invitae), Labcorp
Classification: Uncertain significance. Last evaluated: 2022-02-20. Review status: criteria provided, single submitter. Criteria: Invitae Variant Classification Sherloc (09022015). Collection method: clinical testing. Allele origin: germline.
Comment: In summary, the available evidence is currently insufficient to determine the role of this variant in disease. Therefore, it has been classified as a Variant of Uncertain Significance. Advanced modeling of protein sequence and biophysical properties (such as structural, functional, and spatial information, amino acid conservation, physicochemical variation, residue mobility, and thermodynamic stability) performed at Invitae indicates that this missense variant is not expected to disrupt CFI protein function. This variant has not been reported in the literature in individuals affected with CFI-related conditions. This variant is not present in population databases (gnomAD no frequency). This sequence change replaces glutamic acid, which is acidic and polar, with lysine, which is basic and polar, at codon 30 of the CFI protein (p.Glu30Lys).

NM_000204.5(CFI):c.88G>A (p.Glu30Lys)

Gene: CFI (complement factor I; minus strand). Cytogenetic location: 4q25.
Variant type: single nucleotide variant.
Coding change: c.88G>A on transcript NM_000204.5 (MANE Select); coding-DNA position 88, G replaced by A.
Protein change: p.Glu30Lys; replaces glutamic acid 30 with lysine.
Molecular consequence: missense variant. On other transcripts: non-coding transcript variant (3), intron variant (1).
Genome position (GRCh38, 1-based): chr4:109,766,794, C>T on the plus strand (G>A on the coding strand, the complement: CFI is on the minus strand). VCF-style: chr4-109766794-C-T. GRCh37 (hg19) VCF-style: chr4-110687950-C-T.
Other names: c.88G>A, p.Glu30Lys (NM_001318057.2, NM_001331035.2, NM_001375278.1 and 5 more transcripts); c.-127-5102G>A (NM_001375284.1); short protein forms E30K.
Identifiers: ClinVar variation 2096689 (VCV002096689.4), dbSNP rs2545457602, ClinGen allele CA357865799.